The following is an entry in ClinVar:

NM_017763.6(RNF43):c.124G>A (p.Ala42Thr)

Gene: RNF43 (ring finger protein 43; minus strand). Cytogenetic location: 17q22.
Variant type: single nucleotide variant.
Coding change: c.124G>A on transcript NM_017763.6 (MANE Select); coding-DNA position 124, G replaced by A.
Protein change: p.Ala42Thr; replaces alanine 42 with threonine.
Molecular consequence: missense variant.
Genome position (GRCh38, 1-based): chr17:58,415,454, C>T on the plus strand (G>A on the coding strand, the complement: RNF43 is on the minus strand). VCF-style: chr17-58415454-C-T. GRCh37 (hg19) VCF-style: chr17-56492815-C-T.
Other names: c.124G>A, p.Ala42Thr (NM_001305544.3); short protein forms A42T.
Identifiers: ClinVar variation 3946897 (VCV003946897.1).

ClinVar aggregate classification (germline): Uncertain significance (1 of 4 stars; one submission).

gnomAD v4.1: 1 of 1,614,184 alleles (0.000062%); highest among the groups gnomAD compares: Non-Finnish European, 0.000085%; no homozygotes.

Submission:

Ambry Genetics
Classification: Uncertain significance. Last evaluated: 2025-05-19. Review status: criteria provided, single submitter. Criteria: Ambry Variant Classification Scheme 2023. Collection method: clinical testing. Allele origin: germline.
Comment: The p.A42T variant (also known as c.124G>A), located in coding exon 1 of the RNF43 gene, results from a G to A substitution at nucleotide position 124. The alanine at codon 42 is replaced by threonine, an amino acid with similar properties. This amino acid position is conserved. In addition, this alteration is predicted to be tolerated by in silico analysis. Based on the available evidence, the clinical significance of this variant remains unclear.